The following is an entry in ClinVar:

ClinVar aggregate classification (germline): Uncertain significance (1 of 4 stars; one submission).

Submission:

Labcorp Genetics (formerly Invitae), Labcorp
Classification: Uncertain significance. Last evaluated: 2023-11-18. Review status: criteria provided, single submitter. Criteria: Invitae Variant Classification Sherloc (09022015). Collection method: clinical testing. Allele origin: germline.
Comment: This sequence change replaces histidine, which is basic and polar, with asparagine, which is neutral and polar, at codon 488 of the FN1 protein (p.His488Asn). This variant is not present in population databases (gnomAD no frequency). This variant has not been reported in the literature in individuals affected with FN1-related conditions. Advanced modeling of protein sequence and biophysical properties (such as structural, functional, and spatial information, amino acid conservation, physicochemical variation, residue mobility, and thermodynamic stability) performed at Invitae indicates that this missense variant is not expected to disrupt FN1 protein function with a negative predictive value of 80%. In summary, the available evidence is currently insufficient to determine the role of this variant in disease. Therefore, it has been classified as a Variant of Uncertain Significance.

NM_212482.4(FN1):c.1462C>A (p.His488Asn)

Gene: FN1 (fibronectin 1; minus strand). Cytogenetic location: 2q35.
Variant type: single nucleotide variant.
Coding change: c.1462C>A on transcript NM_212482.4 (MANE Select); coding-DNA position 1462, C replaced by A.
Protein change: p.His488Asn; replaces histidine 488 with asparagine.
Molecular consequence: missense variant.
Genome position (GRCh38, 1-based): chr2:215,422,175, G>T on the plus strand (C>A on the coding strand, the complement: FN1 is on the minus strand). VCF-style: chr2-215422175-G-T. GRCh37 (hg19) VCF-style: chr2-216286898-G-T.
Other names: c.1462C>A, p.His488Asn (NM_002026.4, NM_054034.3, NM_212474.3 and 14 more transcripts); short protein forms H488N.
Identifiers: ClinVar variation 2696988 (VCV002696988.3), dbSNP rs1352700609, ClinGen allele CA350469276.